The following is an entry in ClinVar:

NM_021969.3(NR0B2):c.2T>C (p.Met1Thr)

Genes: NR0B2 (nuclear receptor subfamily 0 group B member 2; minus strand), NUDC (nuclear distribution C, dynein complex regulator; plus strand). Cytogenetic location: 1p36.11.
Variant type: single nucleotide variant.
Coding change: c.2T>C on transcript NM_021969.3 (MANE Select); coding-DNA position 2, T replaced by C.
Protein change: p.Met1Thr; changes the start codon (methionine 1).
Molecular consequence: missense variant, initiator codon variant.
Genome position (GRCh38, 1-based): chr1:26,913,939, A>G on the plus strand (T>C on the coding strand, the complement: NR0B2 is on the minus strand). VCF-style: chr1-26913939-A-G. GRCh37 (hg19) VCF-style: chr1-27240430-A-G.
Other names: short protein forms M1T.
Identifiers: ClinVar variation 3344570 (VCV003344570.1).
Genomic context (GRCh38, chr1:26,913,939, plus strand): 5'-AGAATGGCGGGGCGGCTTGCAGCTCCCTGGCATGGGCAGGCCCCTGGTTGGCTGGTGCTC[A>G]TGGTTAGGGATCTGCTCTCACTTCCAGCTCTCTGGCTCTGTGTTCTGCGCTGTGGGTGCT-3'
Protein context (NP_068804.1, residues 1-11): [Met1Thr]STSQPGACPC

ClinVar aggregate classification (germline): Uncertain significance (0 of 4 stars; one submission).

Conditions:
NR0B2-related disorder. Also called: NR0B2-related condition.

Submission:

PreventionGenetics, part of Exact Sciences
Classification: Uncertain significance for NR0B2-related condition. Last evaluated: 2024-04-25. Review status: no assertion criteria provided. Collection method: clinical testing. Allele origin: germline.
Comment: The NR0B2 c.2T>C variant is predicted to disrupt the translation initiation site (Start Loss). To our knowledge, this variant has not been reported in the literature. This variant is reported in 0.0012% of alleles in individuals of European (Non-Finnish) descent in gnomAD. Although we suspect that this variant may be pathogenic, at this time, the clinical significance of this variant is uncertain due to the absence of conclusive functional and genetic evidence.